The following is an entry in ClinVar:

ClinVar aggregate classification (germline): Likely benign (0 of 4 stars; one submission).

Conditions:
ATP2B2-related disorder. Also called: ATP2B2-related condition.

Allele frequency attached by ClinVar (database versions not stated): gnomAD exomes 0.00002; TOPMed 0.00005; ExAC 0.00002; gnomAD 0.00003.
gnomAD v4.1: 34 of 1,612,264 alleles (0.0021%); highest among the groups gnomAD compares: East Asian, 0.0067%; no homozygotes.

Submission:

PreventionGenetics, part of Exact Sciences
Classification: Likely benign for ATP2B2-related condition. Last evaluated: 2019-05-24. Review status: no assertion criteria provided. Collection method: clinical testing. Allele origin: germline.
Comment: This variant is classified as likely benign based on ACMG/AMP sequence variant interpretation guidelines (Richards et al. 2015 PMID: 25741868, with internal and published modifications).

NM_001001331.4(ATP2B2):c.2472C>T (p.Asp824=)

Gene: ATP2B2 (ATPase plasma membrane Ca2+ transporting 2; minus strand). Cytogenetic location: 3p25.3.
Variant type: single nucleotide variant.
Coding change: c.2472C>T on transcript NM_001001331.4 (MANE Select); coding-DNA position 2472, C replaced by T.
Protein change: p.Asp824=; no amino-acid change (aspartic acid 824 retained).
Molecular consequence: synonymous variant.
Genome position (GRCh38, 1-based): chr3:10,346,070, G>A on the plus strand (C>T on the coding strand, the complement: ATP2B2 is on the minus strand). VCF-style: chr3-10346070-G-A. GRCh37 (hg19) VCF-style: chr3-10387754-G-A.
Other names: c.2337C>T, p.Asp779= (NM_001330611.3, NM_001353564.1, NM_001363862.1 and 1 more transcripts).
Identifiers: ClinVar variation 3044227 (VCV003044227.2), dbSNP rs775507032, ClinGen allele CA2253365.